The following is an entry in ClinVar:

NM_003896.4(ST3GAL5):c.541C>T (p.His181Tyr)

Gene: ST3GAL5 (ST3 beta-galactoside alpha-2,3-sialyltransferase 5; minus strand). Cytogenetic location: 2p11.2.
Variant type: single nucleotide variant.
Coding change: c.541C>T on transcript NM_003896.4 (MANE Select); coding-DNA position 541, C replaced by T.
Protein change: p.His181Tyr; replaces histidine 181 with tyrosine.
Molecular consequence: missense variant. On other transcripts: 5 prime UTR variant (1).
Genome position (GRCh38, 1-based): chr2:85,847,982, G>A on the plus strand (C>T on the coding strand, the complement: ST3GAL5 is on the minus strand). VCF-style: chr2-85847982-G-A. GRCh37 (hg19) VCF-style: chr2-86075105-G-A.
Other names: c.472C>T, p.His158Tyr (NM_001042437.2); c.157C>T, p.His53Tyr (NM_001354223.2, NM_001354224.2, NM_001354226.2 and 3 more transcripts); c.457C>T, p.His153Tyr (NM_001354227.2, NM_001354229.2, NM_001354238.1); c.-364C>T (NM_001354247.1); c.541C>T, p.His181Tyr (NM_001363847.1); short protein forms H181Y, H153Y, H53Y, H158Y.
Identifiers: ClinVar variation 288317 (VCV000288317.10), dbSNP rs750698842, ClinGen allele CA1745025.

ClinVar aggregate classification (germline): Uncertain significance. Review status: criteria provided, multiple submitters, no conflicts (2 of 4 stars). 2 submissions from 2 submitters: Uncertain significance (2). Last evaluated 2021-08-30.

Conditions:
GM3 synthase deficiency (SPDRS). Also called: SALT AND PEPPER MENTAL RETARDATION SYNDROME; SALT AND PEPPER DEVELOPMENTAL REGRESSION SYNDROME; AMISH INFANTILE EPILEPSY SYNDROME. Identifiers: Orphanet 171714, Orphanet 370933, MedGen C1836824, MONDO:0018274, OMIM 609056.

Allele frequency attached by ClinVar (database versions not stated): gnomAD exomes 0.00001 and 0.00007; ExAC 0.00002; TOPMed 0.00002.
gnomAD v4.1: 101 of 1,614,142 alleles (0.0063%); highest among the groups gnomAD compares: Non-Finnish European, 0.0082%; no homozygotes.

Submissions (2):

Labcorp Genetics (formerly Invitae), Labcorp
Classification: Uncertain significance for GM3 synthase deficiency. Last evaluated: 2021-08-30. Review status: criteria provided, single submitter. Criteria: Invitae Variant Classification Sherloc (09022015). Collection method: clinical testing. Allele origin: germline.
Comment: This sequence change replaces histidine with tyrosine at codon 181 of the ST3GAL5 protein (p.His181Tyr). The histidine residue is highly conserved and there is a moderate physicochemical difference between histidine and tyrosine. This variant is present in population databases (rs750698842, ExAC 0.003%). This variant has not been reported in the literature in individuals affected with ST3GAL5-related conditions. ClinVar contains an entry for this variant (Variation ID: 288317). Algorithms developed to predict the effect of missense changes on protein structure and function are either unavailable or do not agree on the potential impact of this missense change (SIFT: "Deleterious"; PolyPhen-2: "Benign"; Align-GVGD: "Class C15"). Algorithms developed to predict the effect of sequence changes on RNA splicing suggest that this variant may create or strengthen a splice site. In summary, the available evidence is currently insufficient to determine the role of this variant in disease. Therefore, it has been classified as a Variant of Uncertain Significance.

Eurofins Ntd Llc (ga)
Classification: Uncertain significance. Last evaluated: 2016-07-05. Review status: criteria provided, single submitter. Criteria: EGL Classification Definitions 2015. Collection method: clinical testing. Allele origin: germline. Observed: 1 variant allele, 1 heterozygote.